The following is an entry in ClinVar:

ClinVar aggregate classification (germline): Conflicting classifications of pathogenicity. Review status: criteria provided, conflicting classifications (1 of 4 stars). 6 submissions from 6 submitters: Pathogenic (1); Likely pathogenic (2); Uncertain significance (2). 1 of the submissions does not count toward it. Last evaluated 2025-10-31.

Conditions:
Neurofibromatosis, type 1 (NF1). Also called: VON RECKLINGHAUSEN DISEASE; Neurofibromatosis, type I; NEUROFIBROMATOSIS, TYPE I, SOMATIC; Peripheral type neurofibromatosis. Identifiers: Orphanet 636, MedGen C0027831, MONDO:0018975, OMIM 162200. Disease mechanism: loss of function.
NF1-related disorder. Also called: NF1-related condition. Identifiers: MedGen CN379171.
Hereditary cancer-predisposing syndrome. Also called: Neoplastic Syndromes, Hereditary; Tumor predisposition; Hereditary neoplastic syndrome; Hereditary Cancer Syndrome. Identifiers: Orphanet 140162, MedGen C0027672, MeSH D009386, MONDO:0015356.
Cardiovascular phenotype. Identifiers: MedGen CN230736.

Submissions (6):

Ambry Genetics
Classification: Likely pathogenic for Cardiovascular phenotype; Hereditary cancer-predisposing syndrome. Last evaluated: 2025-10-31. Review status: criteria provided, single submitter. Criteria: Ambry Variant Classification Scheme 2023. Collection method: clinical testing. Allele origin: germline.
Comment: The p.L380R variant (also known as c.1139T>G), located in coding exon 10 of the NF1 gene, results from a T to G substitution at nucleotide position 1139. The leucine at codon 380 is replaced by arginine, an amino acid with dissimilar properties. This variant was reported in individual(s) with features consistent with neurofibromatosis type 1 (van Minkelen R et al. Clin Genet, 2014 Apr;85:318-27; Ambry internal data). Other variant(s) at the same codon, p.L380P (c.1139T>C), have been identified in individual(s) with features consistent with neurofibromatosis type 1 (Cunha KS et al. Genes (Basel), 2016 Dec;7; Ambry internal data). This amino acid position is well conserved in available vertebrate species. In addition, this alteration is predicted to be deleterious by in silico analysis. This variant is considered to be rare based on population cohorts in the Genome Aggregation Database (gnomAD). Based on the majority of available evidence to date, this variant is likely to be pathogenic.

Labcorp Genetics (formerly Invitae), Labcorp
Classification: Pathogenic for Neurofibromatosis, type 1. Last evaluated: 2022-06-27. Review status: criteria provided, single submitter. Criteria: Invitae Variant Classification Sherloc (09022015). Collection method: clinical testing. Allele origin: germline.
Comment: For these reasons, this variant has been classified as Pathogenic. This variant disrupts the p.Leu380 amino acid residue in NF1. Other variant(s) that disrupt this residue have been determined to be pathogenic (PMID: 21520333, 27999334; Invitae). This suggests that this residue is clinically significant, and that variants that disrupt this residue are likely to be disease-causing. Advanced modeling of protein sequence and biophysical properties (such as structural, functional, and spatial information, amino acid conservation, physicochemical variation, residue mobility, and thermodynamic stability) performed at Invitae indicates that this missense variant is expected to disrupt NF1 protein function. ClinVar contains an entry for this variant (Variation ID: 993576). This missense change has been observed in individual(s) with neurofibromatosis type 1 (Invitae). This variant is not present in population databases (gnomAD no frequency). This sequence change replaces leucine, which is neutral and non-polar, with arginine, which is basic and polar, at codon 380 of the NF1 protein (p.Leu380Arg).

Genome-Nilou Lab
Classification: Uncertain significance for Neurofibromatosis, type 1. Last evaluated: 2022-03-15. Review status: criteria provided, single submitter. Criteria: ACMG Guidelines, 2015. Collection method: clinical testing. Allele origin: germline. Affected: no.

ARUP Laboratories, Molecular Genetics and Genomics, ARUP Laboratories
Classification: Uncertain significance. Last evaluated: 2020-07-14. Review status: criteria provided, single submitter. Criteria: ARUP Molecular Germline Variant Investigation Process. Collection method: clinical testing. Allele origin: germline.
Comment: The NF1 c.1139T>G; p.Leu380Arg variant is reported in the literature in an individual affected with acute myeloid leukemia with a suspected diagnosis of neurofibromatosis type 1 (Weinberg 2019). This variant is absent from general population databases (Exome Variant Server, Genome Aggregation Database), indicating it is not a common polymorphism. The leucine at codon 380 is moderately conserved, and computational analyses (SIFT: damaging, PolyPhen-2: benign) predict conflicting effects of this variant on protein structure/function. Additionally, another amino acid substitution at this codon (p.Leu380Pro) has been reported in several probands with neurofibromatosis type 1 and segregated with disease in members of one family (Cunha 2016, Frayling 2019). However, given the lack of clinical and functional data, the significance of the p.Leu380Arg variant is uncertain at this time. References: Cunha KS et al. Hybridization Capture-Based Next-Generation Sequencing to Evaluate Coding Sequence and Deep Intronic Mutations in the NF1 Gene. Genes (Basel). 2016;7(12):133. Frayling IM et al. Breast cancer risk in neurofibromatosis type 1 is a function of the type of NF1 gene mutation: a new genotype-phenotype correlation. J Med Genet. 2019;56(4):209-219. Weinberg OK et al. Germline Predisposition to Hematolymphoid Neoplasia. Am J Clin Pathol. 2019;152(3):258-276.

Juno Genomics, Hangzhou Juno Genomics, Inc
Classification: Likely pathogenic for Neurofibromatosis, type 1. Review status: criteria provided, single submitter. Criteria: ACMG Guidelines, 2015. Collection method: clinical testing. Allele origin: germline.
Comment: Absent from controls (or at extremely low frequency if recessive) in Genome Aggregation Database.;Missense variant in a gene that has a low rate of benign missense variation.;Multiple lines of computational evidence support a deleterious effect on the gene or gene product.;The prevalence of the variant in affected individuals is significantly increased compared to the prevalence in controls.;Patient's phenotype or family history is highly specific for a disease with a single genetic etiology.;Novel missense change at an amino acid residue where a different missense change determined to be pathogenic has been seen before.

PreventionGenetics, part of Exact Sciences
Classification: Uncertain significance for NF1-related condition. Last evaluated: 2024-05-23. Review status: no assertion criteria provided. Collection method: clinical testing. Allele origin: germline. Not counted in ClinVar's aggregate classification.
Comment: The NF1 c.1139T>G variant is predicted to result in the amino acid substitution p.Leu380Arg. This variant has been reported as a germline variant in an individual with acute myeloid leukemia and suspected diagnosis of neurofibromatosis (Weinberg et al. 2019. PubMed ID: 31309983). This variant has not been reported in a large population database, indicating this variant is rare. This variant has conflicting interpretations of pathogenicity in ClinVar of uncertain and pathogenic. Although we suspect that this variant may be pathogenic, at this time, the clinical significance of this variant is uncertain due to the absence of conclusive functional and genetic evidence.

Literature cited by the submitters: PubMed 23656349 (cited by Ambry Genetics); PubMed 21520333 (cited by Labcorp Genetics (formerly Invitae), Labcorp); PubMed 27999334 (cited by Labcorp Genetics (formerly Invitae), Labcorp).

NM_001042492.3(NF1):c.1139T>G (p.Leu380Arg)

Gene: NF1 (neurofibromin 1; plus strand). Cytogenetic location: 17q11.2.
Variant type: single nucleotide variant.
Coding change: c.1139T>G on transcript NM_001042492.3 (MANE Select); coding-DNA position 1139, T replaced by G.
Protein change: p.Leu380Arg; replaces leucine 380 with arginine.
Molecular consequence: missense variant.
Genome position (GRCh38, 1-based): chr17:31,201,113, T>G. VCF-style: chr17-31201113-T-G. GRCh37 (hg19) VCF-style: chr17-29528131-T-G.
Other names: c.1139T>G, p.Leu380Arg (NM_000267.4, NM_001128147.3); short protein forms L380R.
Identifiers: ClinVar variation 993576 (VCV000993576.20), dbSNP rs1555611004, ClinGen allele CA398997080.